The following is an entry in ClinVar:

NM_002294.3(LAMP2):c.127del (p.Tyr43fs)

Gene: LAMP2 (lysosomal associated membrane protein 2; minus strand). Cytogenetic location: Xq24.
Variant type: Deletion.
Coding change: c.127del on transcript NM_002294.3 (MANE Select); coding-DNA position 127, one base deleted (T; older notation c.127delT).
Protein change: p.Tyr43fs; shifts the reading frame from tyrosine 43.
Molecular consequence: frameshift variant.
Genome position (GRCh38, 1-based): chrX:120,456,707, A deleted on the plus strand (T on the coding strand, the reverse complement: LAMP2 is on the minus strand); the first of 3 consecutive A bases (chrX:120,456,707-120,456,709); deleting any one gives the same sequence. VCF-style (leftmost placement, unchanged base first): chrX-120456706-TA-T. GRCh37 (hg19) VCF-style: chrX-119590561-TA-T.
Other names: c.127del, p.Tyr43fs (NM_001122606.1, NM_013995.2); c.127delT (NM_002294.2); short protein forms Y43fs.
Identifiers: ClinVar variation 4096522 (VCV004096522.1), dbSNP rs2147287637.

ClinVar aggregate classification (germline): Pathogenic (1 of 4 stars; one submission).

Conditions:
Cardiovascular phenotype. Identifiers: MedGen CN230736.

Submission:

Ambry Genetics
Classification: Pathogenic for Cardiovascular phenotype. Last evaluated: 2025-09-08. Review status: criteria provided, single submitter. Criteria: Ambry Variant Classification Scheme 2023. Collection method: clinical testing. Allele origin: germline.
Comment: The c.127delT pathogenic mutation, located in coding exon 2 of the LAMP2 gene, results from a deletion of one nucleotide at nucleotide position 127, causing a translational frameshift with a predicted alternate stop codon (p.Y43Mfs*6). This variant is considered to be rare based on population cohorts in the Genome Aggregation Database (gnomAD). This alteration is expected to result in loss of function by premature protein truncation or nonsense-mediated mRNA decay. As such, this alteration is interpreted as a disease-causing mutation.

Literature cited by the submitters: PubMed 30919683.